The following is an entry in ClinVar:

NM_000548.5(TSC2):c.916G>T (p.Ala306Ser)

Gene: TSC2 (TSC complex subunit 2; plus strand). Cytogenetic location: 16p13.3.
Variant type: single nucleotide variant.
Coding change: c.916G>T on transcript NM_000548.5 (MANE Select); coding-DNA position 916, G replaced by T.
Protein change: p.Ala306Ser; replaces alanine 306 with serine.
Molecular consequence: missense variant.
Genome position (GRCh38, 1-based): chr16:2,058,814, G>T. VCF-style: chr16-2058814-G-T. GRCh37 (hg19) VCF-style: chr16-2108815-G-T.
Other names: c.916G>T, p.Ala306Ser (NM_001077183.3, NM_001114382.3, NM_001363528.2 and 6 more transcripts); c.805G>T, p.Ala269Ser (NM_001318827.2, NM_001406670.1, NM_001406678.1); c.769G>T, p.Ala257Ser (NM_001318829.2, NM_001406675.1, NM_001406676.1 and 1 more transcripts); c.316G>T, p.Ala106Ser (NM_001318831.2, NM_001406680.1, NM_001406682.1 and 6 more transcripts); c.949G>T, p.Ala317Ser (NM_001318832.2); c.1006G>T, p.Ala336Ser (NM_001406667.1, NM_001406668.1); c.904G>T, p.Ala302Ser (NM_001406671.1, NM_001406673.1); c.859G>T, p.Ala287Ser (NM_001406677.1); and 4 more; short protein forms A152S, A302S, A317S, A257S, A269S, A306S, A287S, A106S.
Identifiers: ClinVar variation 1973970 (VCV001973970.8), dbSNP rs1215705768, ClinGen allele CA394315355.

ClinVar aggregate classification (germline): Uncertain significance. Review status: criteria provided, multiple submitters, no conflicts (2 of 4 stars). 4 submissions from 4 submitters: Uncertain significance (4). Last evaluated 2025-12-16.

Conditions:
Tuberous sclerosis 2 (TSC2). Identifiers: Orphanet 805, MedGen C1860707, MONDO:0013199, OMIM 613254.
Tuberous sclerosis syndrome (TSC). Also called: Tuberous sclerosis; Tuberous Sclerosis Complex. Identifiers: Orphanet 805, MedGen C0041341, MONDO:0001734.
Isolated focal cortical dysplasia type II (FCORD2). Also called: Focal cortical dysplasia type II; CORTICAL DYSPLASIA OF TAYLOR. Identifiers: Orphanet 268994, MedGen C1846385, MONDO:0011818, OMIM 607341, HP:0032051.
Hereditary cancer-predisposing syndrome. Also called: Hereditary neoplastic syndrome; Neoplastic Syndromes, Hereditary; Tumor predisposition; Hereditary Cancer Syndrome. Identifiers: Orphanet 140162, MedGen C0027672, MeSH D009386, MONDO:0015356.

Submissions (4):

Labcorp Genetics (formerly Invitae), Labcorp
Classification: Uncertain significance for Tuberous sclerosis 2. Last evaluated: 2025-12-16. Review status: criteria provided, single submitter. Criteria: Invitae Variant Classification Sherloc (09022015). Collection method: clinical testing. Allele origin: germline.
Comment: This sequence change replaces alanine, which is neutral and non-polar, with serine, which is neutral and polar, at codon 306 of the TSC2 protein (p.Ala306Ser). This variant is not present in population databases (gnomAD no frequency). This variant has not been reported in the literature in individuals affected with TSC2-related conditions. ClinVar contains an entry for this variant (Variation ID: 1973970). Invitae Evidence Modeling of protein sequence and biophysical properties (such as structural, functional, and spatial information, amino acid conservation, physicochemical variation, residue mobility, and thermodynamic stability) indicates that this missense variant is not expected to disrupt TSC2 protein function with a negative predictive value of 95%. In summary, the available evidence is currently insufficient to determine the role of this variant in disease. Therefore, it has been classified as a Variant of Uncertain Significance.

Ambry Genetics
Classification: Uncertain significance for Hereditary cancer-predisposing syndrome. Last evaluated: 2025-04-13. Review status: criteria provided, single submitter. Criteria: Ambry Variant Classification Scheme 2023. Collection method: clinical testing. Allele origin: germline.
Comment: The p.A306S variant (also known as c.916G>T), located in coding exon 9 of the TSC2 gene, results from a G to T substitution at nucleotide position 916. The alanine at codon 306 is replaced by serine, an amino acid with similar properties. This amino acid position is conserved. In addition, the in silico prediction for this alteration is inconclusive. Based on the available evidence, the clinical significance of this variant remains unclear.

All of Us Research Program, National Institutes of Health
Classification: Uncertain significance for Tuberous sclerosis syndrome. Last evaluated: 2024-05-14. Review status: criteria provided, single submitter. Criteria: ACMG Guidelines, 2015. Collection method: clinical testing. Allele origin: germline. Inheritance: Autosomal dominant inheritance. Observed: 1 variant allele, 1 heterozygote.
Comment: This missense variant replaces alanine with serine at codon 306 of the TSC2 protein. Computational prediction suggests that this variant may not impact protein structure and function (internally defined REVEL score threshold <= 0.5, PMID: 27666373). To our knowledge, functional studies have not been reported for this variant. This variant has not been reported in individuals affected with TSC2-related disorders in the literature. This variant has not been identified in the general population by the Genome Aggregation Database (gnomAD). The available evidence is insufficient to determine the role of this variant in disease conclusively. Therefore, this variant is classified as a Variant of Uncertain Significance.

This study involves interpretation of variants in research participants for the purpose of population health screening. Participant phenotype was not available at the time of variant classification. Additional details can be found in publication PMID: 35346344, PMCID: PMC8962531

Baylor Genetics
Classification: Uncertain significance for Isolated focal cortical dysplasia type II. Last evaluated: 2023-05-22. Review status: criteria provided, single submitter. Criteria: ACMG Guidelines, 2015. Collection method: clinical testing. Allele origin: unknown.